The following is an entry in ClinVar:

NM_032776.3(JMJD1C):c.2084C>T (p.Thr695Ile)

Gene: JMJD1C (jumonji domain containing 1C; minus strand). Cytogenetic location: 10q21.3.
Variant type: single nucleotide variant.
Coding change: c.2084C>T on transcript NM_032776.3 (MANE Select); coding-DNA position 2084, C replaced by T.
Protein change: p.Thr695Ile; replaces threonine 695 with isoleucine.
Molecular consequence: missense variant. On other transcripts: non-coding transcript variant (1).
Genome position (GRCh38, 1-based): chr10:63,214,083, G>A on the plus strand (C>T on the coding strand, the complement: JMJD1C is on the minus strand). VCF-style: chr10-63214083-G-A. GRCh37 (hg19) VCF-style: chr10-64973843-G-A.
Other names: c.1538C>T, p.Thr513Ile (NM_001282948.2, NM_001318154.2); c.1220C>T, p.Thr407Ile (NM_001318153.2); c.1970C>T, p.Thr657Ile (NM_001322252.2); c.1427C>T, p.Thr476Ile (NM_001322254.2, NM_001322258.2); short protein forms T657I, T695I, T476I, T513I, T407I.
Identifiers: ClinVar variation 3676869 (VCV003676869.2).

ClinVar aggregate classification (germline): Uncertain significance (1 of 4 stars; one submission).

Conditions:
Early Myoclonic Encephalopathy. Identifiers: MedGen C0270855.

gnomAD v4.1: 2 of 1,614,078 alleles (0.00012%); highest among the groups gnomAD compares: Non-Finnish European, 0.00017%; no homozygotes.

Submission:

Labcorp Genetics (formerly Invitae), Labcorp
Classification: Uncertain significance for Early Myoclonic Encephalopathy. Last evaluated: 2026-01-12. Review status: criteria provided, single submitter. Criteria: Invitae Variant Classification Sherloc (09022015). Collection method: clinical testing. Allele origin: germline.
Comment: This sequence change replaces threonine, which is neutral and polar, with isoleucine, which is neutral and non-polar, at codon 695 of the JMJD1C protein (p.Thr695Ile). This variant is not present in population databases (gnomAD no frequency). This variant has not been reported in the literature in individuals affected with JMJD1C-related conditions. ClinVar contains an entry for this variant (Variation ID: 3676869). Invitae Evidence Modeling of protein sequence and biophysical properties (such as structural, functional, and spatial information, amino acid conservation, physicochemical variation, residue mobility, and thermodynamic stability) indicates that this missense variant is not expected to disrupt JMJD1C protein function with a negative predictive value of 80%. In summary, the available evidence is currently insufficient to determine the role of this variant in disease. Therefore, it has been classified as a Variant of Uncertain Significance.